The following is an entry in ClinVar:

NM_020812.4(DOCK6):c.1687C>T (p.Arg563Cys)

Gene: DOCK6 (dedicator of cytokinesis 6; minus strand). Cytogenetic location: 19p13.2.
Variant type: single nucleotide variant.
Coding change: c.1687C>T on transcript NM_020812.4 (MANE Select); coding-DNA position 1687, C replaced by T.
Protein change: p.Arg563Cys; replaces arginine 563 with cysteine.
Molecular consequence: missense variant.
Genome position (GRCh38, 1-based): chr19:11,238,261, G>A on the plus strand (C>T on the coding strand, the complement: DOCK6 is on the minus strand). VCF-style: chr19-11238261-G-A. GRCh37 (hg19) VCF-style: chr19-11348937-G-A.
Other names: c.1687C>T, p.Arg563Cys (NM_001367830.1); short protein forms R563C.
Identifiers: ClinVar variation 1900108 (VCV001900108.4), dbSNP rs199751409, ClinGen allele CA9207894.

ClinVar aggregate classification (germline): Uncertain significance. Review status: criteria provided, multiple submitters, no conflicts (2 of 4 stars). 2 submissions from 2 submitters: Uncertain significance (2). Last evaluated 2023-01-24.

Conditions:
Inborn genetic diseases. Identifiers: MedGen C0950123, MeSH D030342.

Allele frequency attached by ClinVar (database versions not stated): ExAC 0.00001; gnomAD 0.00003; TOPMed 0.00003.
gnomAD v4.1: 15 of 1,612,892 alleles (0.00093%); highest among the groups gnomAD compares: Admixed American, 0.005%; no homozygotes.

Submissions (2):

Ambry Genetics
Classification: Uncertain significance for Inborn genetic diseases. Last evaluated: 2023-01-24. Review status: criteria provided, single submitter. Criteria: Ambry Variant Classification Scheme 2023. Collection method: clinical testing. Allele origin: germline.

Labcorp Genetics (formerly Invitae), Labcorp
Classification: Uncertain significance. Last evaluated: 2022-03-08. Review status: criteria provided, single submitter. Criteria: Invitae Variant Classification Sherloc (09022015). Collection method: clinical testing. Allele origin: germline.
Comment: This sequence change replaces arginine, which is basic and polar, with cysteine, which is neutral and slightly polar, at codon 563 of the DOCK6 protein (p.Arg563Cys). This variant is present in population databases (rs199751409, gnomAD 0.0008%). This variant has not been reported in the literature in individuals affected with DOCK6-related conditions. Algorithms developed to predict the effect of missense changes on protein structure and function are either unavailable or do not agree on the potential impact of this missense change (SIFT: "Deleterious"; PolyPhen-2: "Probably Damaging"; Align-GVGD: "Class C0"). In summary, the available evidence is currently insufficient to determine the role of this variant in disease. Therefore, it has been classified as a Variant of Uncertain Significance.